The following is an entry in ClinVar:

ClinVar aggregate classification (germline): Uncertain significance (1 of 4 stars; one submission).

Conditions:
Schimke immuno-osseous dysplasia (SIOD). Also called: Schimke Immunoosseous Dysplasia. Identifiers: Orphanet 1830, MedGen C0877024, MONDO:0009458, OMIM 242900.

Allele frequency attached by ClinVar (database versions not stated): gnomAD exomes below 0.00001.
gnomAD v4.1: 3 of 1,614,238 alleles (0.00019%); highest among the groups gnomAD compares: Non-Finnish European, 0.00025%; no homozygotes.

Submission:

Labcorp Genetics (formerly Invitae), Labcorp
Classification: Uncertain significance for Schimke immuno-osseous dysplasia. Last evaluated: 2021-08-31. Review status: criteria provided, single submitter. Criteria: Invitae Variant Classification Sherloc (09022015). Collection method: clinical testing. Allele origin: germline.
Comment: This sequence change replaces lysine with arginine at codon 225 of the SMARCAL1 protein (p.Lys225Arg). The lysine residue is weakly conserved and there is a small physicochemical difference between lysine and arginine. This variant is not present in population databases (ExAC no frequency). This variant has not been reported in the literature in individuals affected with SMARCAL1-related conditions. Algorithms developed to predict the effect of missense changes on protein structure and function (SIFT, PolyPhen-2, Align-GVGD) all suggest that this variant is likely to be tolerated. In summary, the available evidence is currently insufficient to determine the role of this variant in disease. Therefore, it has been classified as a Variant of Uncertain Significance.

NM_014140.4(SMARCAL1):c.674A>G (p.Lys225Arg)

Gene: SMARCAL1 (SNF2 related chromatin remodeling annealing helicase 1; plus strand). Cytogenetic location: 2q35.
Variant type: single nucleotide variant.
Coding change: c.674A>G on transcript NM_014140.4 (MANE Select); coding-DNA position 674, A replaced by G.
Protein change: p.Lys225Arg; replaces lysine 225 with arginine.
Molecular consequence: missense variant.
Genome position (GRCh38, 1-based): chr2:216,415,378, A>G. VCF-style: chr2-216415378-A-G. GRCh37 (hg19) VCF-style: chr2-217280101-A-G.
Other names: c.674A>G, p.Lys225Arg (NM_001127207.2); short protein forms K225R.
Identifiers: ClinVar variation 1388787 (VCV001388787.5), dbSNP rs1378058989, ClinGen allele CA350497804.
Genomic context (GRCh38, chr2:216,415,378, plus strand): 5'-CTTACATCCATTCTAGCTCAGAGAGTGTAACGCCCAGGACAGAAGGAAGACTCCAGCAGA[A>G]GTCAGGGTCCTCAGTCCAAAAAGGAGTGAACTCTCAGAAGGGAAAGTGCGTAAGGAACGG-3'
Protein context (NP_054859.2, residues 215-235): TPRTEGRLQQ[Lys225Arg]SGSSVQKGVN